The following is an entry in ClinVar:

ClinVar aggregate classification (germline): Benign/Likely benign. Review status: criteria provided, multiple submitters, no conflicts (2 of 4 stars). 15 submissions from 14 submitters: Benign (10); Likely benign (2). 3 of the submissions do not count toward it. Last evaluated 2026-08-01.

Conditions:
Inborn genetic diseases. Identifiers: MedGen C0950123, MeSH D030342.
Developmental and epileptic encephalopathy, 14 (DEE14). Also called: Early infantile epileptic encephalopathy 14. Identifiers: Orphanet 293181, MedGen C3554195, MONDO:0013989, OMIM 614959.
Autosomal dominant nocturnal frontal lobe epilepsy 5. Also called: Epilepsy, nocturnal frontal lobe, 5; CILIARY DYSKINESIA, PRIMARY, 28, WITHOUT SITUS INVERSUS; CILIARY DYSKINESIA, PRIMARY, 28, WITH SITUS INVERSUS; KCNT1-Related Epilepsy. Identifiers: Orphanet 98784, MedGen C3554306, MONDO:0014002, OMIM 615005.

Allele frequency attached by ClinVar (database versions not stated): ESP Exome Variant Server 0.00784; 1000 Genomes Project 30x 0.00828; 1000 Genomes Project 0.00839; TOPMed 0.00856; gnomAD 0.00928; ExAC 0.01606.
gnomAD v4.1: 19,413 of 1,576,966 alleles (1.2%); highest among the groups gnomAD compares: Middle Eastern, 1.6%; 159 homozygotes.

Submissions (15):

CeGaT Center for Human Genetics Tuebingen
Classification: Benign. Last evaluated: 2026-08-01. Review status: criteria provided, single submitter. Criteria: CeGaT Center For Human Genetics Tuebingen Variant Classification Criteria Version 2. Collection method: clinical testing. Allele origin: germline. Affected: yes. Observed: 101 variant alleles.
Comment: KCNT1: BP4, BS1, BS2

Labcorp Genetics (formerly Invitae), Labcorp
Classification: Benign for Autosomal dominant nocturnal frontal lobe epilepsy 5; Developmental and epileptic encephalopathy, 14. Last evaluated: 2026-02-03. Review status: criteria provided, single submitter. Criteria: Invitae Variant Classification Sherloc (09022015). Collection method: clinical testing. Allele origin: germline.

Genome-Nilou Lab
Classification: Benign for Developmental and epileptic encephalopathy, 14. Last evaluated: 2022-03-15. Review status: criteria provided, single submitter. Criteria: ACMG Guidelines, 2015. Collection method: clinical testing. Allele origin: germline. Affected: no.

Genome-Nilou Lab
Classification: Benign for Autosomal dominant nocturnal frontal lobe epilepsy 5. Last evaluated: 2022-03-15. Review status: criteria provided, single submitter. Criteria: ACMG Guidelines, 2015. Collection method: clinical testing. Allele origin: germline. Affected: no.

Centre for Mendelian Genomics, University Medical Centre Ljubljana
Classification: Benign for Autosomal dominant nocturnal frontal lobe epilepsy 5. Last evaluated: 2019-07-05. Review status: criteria provided, single submitter. Criteria: ACMG Guidelines, 2015. Collection method: clinical testing. Allele origin: unknown. Affected: yes.
Comment: This variant was classified as: Benign. The following ACMG criteria were applied in classifying this variant: BS1,BS2.

Mayo Clinic Laboratories, Mayo Clinic
Classification: Benign. Last evaluated: 2019-03-26. Review status: criteria provided, single submitter. Criteria: ACMG Guidelines, 2015. Collection method: clinical testing. Allele origin: germline. Observed: 11 variant alleles.

Center for Pediatric Genomic Medicine, Children's Mercy Hospital and Clinics
Classification: Likely benign. Last evaluated: 2016-12-15. Review status: criteria provided, single submitter. Criteria: ACMG Guidelines, 2015. Collection method: clinical testing. Allele origin: germline.
ClinVar note: Converted during submission from Likely Benign to Likely benign.

Ambry Genetics
Classification: Benign for Inborn genetic diseases. Last evaluated: 2016-04-15. Review status: criteria provided, single submitter. Criteria: Ambry Variant Classification Scheme 2023. Collection method: clinical testing. Allele origin: germline.

GeneDx
Classification: Benign. Last evaluated: 2016-01-14. Review status: criteria provided, single submitter. Criteria: GeneDx Variant Classification (06012015). Collection method: clinical testing. Allele origin: germline. Affected: yes.
Comment: This variant is considered likely benign or benign based on one or more of the following criteria: it is a conservative change, it occurs at a poorly conserved position in the protein, it is predicted to be benign by multiple in silico algorithms, and/or has population frequency not consistent with disease.

Eurofins Ntd Llc (ga)
Classification: Benign. Last evaluated: 2014-07-17. Review status: criteria provided, single submitter. Criteria: EGL Classification Definitions 2015. Collection method: clinical testing. Allele origin: germline. Observed: 8 variant alleles, 8 heterozygotes.

Breakthrough Genomics
Classification: Likely benign. Review status: criteria provided, single submitter. Criteria: ACMG Guidelines, 2015. Collection method: not provided. Allele origin: germline. Inheritance: Autosomal dominant inheritance. Affected: yes.

PreventionGenetics, part of Exact Sciences
Classification: Benign. Review status: criteria provided, single submitter. Criteria: ACMG Guidelines, 2015. Collection method: clinical testing. Allele origin: germline.

Genetic Services Laboratory, University of Chicago
Classification: Likely benign for AllHighlyPenetrant. Review status: no assertion criteria provided. Collection method: clinical testing. Allele origin: germline. Inheritance: Autosomal dominant inheritance. Not counted in ClinVar's aggregate classification.
Comment: Likely benign based on allele frequency in 1000 Genomes Project or ESP global frequency and its presence in a patient with a rare or unrelated disease phenotype. NOT Sanger confirmed.

Genome Diagnostics Laboratory, University Medical Center Utrecht
Classification: Benign. Review status: no assertion criteria provided. Collection method: clinical testing. Allele origin: germline. Affected: yes. Study: VKGL Data-share Consensus. Not counted in ClinVar's aggregate classification.

Laboratory of Diagnostic Genome Analysis, Leiden University Medical Center (LUMC)
Classification: Likely benign. Review status: no assertion criteria provided. Collection method: clinical testing. Allele origin: germline. Affected: yes. Study: VKGL Data-share Consensus. Not counted in ClinVar's aggregate classification.

NM_020822.3(KCNT1):c.3388G>A (p.Ala1130Thr)

Gene: KCNT1 (potassium sodium-activated channel subfamily T member 1; plus strand). Cytogenetic location: 9q34.3.
Variant type: single nucleotide variant.
Coding change: c.3388G>A on transcript NM_020822.3 (MANE Select); coding-DNA position 3388, G replaced by A.
Protein change: p.Ala1130Thr; replaces alanine 1130 with threonine.
Molecular consequence: missense variant.
Genome position (GRCh38, 1-based): chr9:135,786,407, G>A. VCF-style: chr9-135786407-G-A. GRCh37 (hg19) VCF-style: chr9-138678253-G-A.
Other names: p.Ala1130Thr; c.3253G>A, p.Ala1085Thr (NM_001272003.2); short protein forms A1130T, A1085T.
Identifiers: ClinVar variation 129364 (VCV000129364.63), dbSNP rs138421850, ClinGen allele CA153316.